The following is an entry in ClinVar:

ClinVar aggregate classification (germline): Benign/Likely benign. Review status: criteria provided, multiple submitters, no conflicts (2 of 4 stars). 3 submissions from 3 submitters: Benign (1); Likely benign (2). Last evaluated 2025-09-28.

Conditions:
Hereditary cancer-predisposing syndrome. Also called: Neoplastic Syndromes, Hereditary; Hereditary Cancer Syndrome; Hereditary neoplastic syndrome; Tumor predisposition. Identifiers: Orphanet 140162, MedGen C0027672, MeSH D009386, MONDO:0015356.
Hereditary diffuse gastric adenocarcinoma (HDGC). Also called: DIFFUSE GASTRIC AND LOBULAR BREAST CANCER SYNDROME. Identifiers: Orphanet 26106, MedGen C1708349, MONDO:0007648, OMIM 137215.

Submissions (3):

Ambry Genetics
Classification: Likely benign for Hereditary cancer-predisposing syndrome. Last evaluated: 2025-09-28. Review status: criteria provided, single submitter. Criteria: Ambry Variant Classification Scheme 2023. Collection method: clinical testing. Allele origin: germline.

Myriad Genetics, Inc.
Classification: Benign for Hereditary diffuse gastric adenocarcinoma. Last evaluated: 2024-09-13. Review status: criteria provided, single submitter. Criteria: Myriad Autosomal Dominant, Autosomal Recessive and X-Linked Classification Criteria (2023). Collection method: clinical testing. Allele origin: unknown.
Comment: This variant is considered benign. This variant is a silent/synonymous amino acid change and it is not expected to impact splicing.

Labcorp Genetics (formerly Invitae), Labcorp
Classification: Likely benign for Hereditary diffuse gastric adenocarcinoma. Last evaluated: 2021-07-06. Review status: criteria provided, single submitter. Criteria: Invitae Variant Classification Sherloc (09022015). Collection method: clinical testing. Allele origin: germline.

NM_004360.5(CDH1):c.684C>T (p.Tyr228=)

Gene: CDH1 (cadherin 1; plus strand). Cytogenetic location: 16q22.1.
Variant type: single nucleotide variant.
Coding change: c.684C>T on transcript NM_004360.5 (MANE Select); coding-DNA position 684, C replaced by T.
Protein change: p.Tyr228=; no amino-acid change (tyrosine 228 retained).
Molecular consequence: synonymous variant. On other transcripts: 5 prime UTR variant (2).
Genome position (GRCh38, 1-based): chr16:68,808,845, C>T. VCF-style: chr16-68808845-C-T. GRCh37 (hg19) VCF-style: chr16-68842748-C-T.
Other names: c.684C>T (NM_004360.3); c.684C>T, p.Tyr228= (NM_001317184.2); c.-932C>T (NM_001317185.2); c.-1136C>T (NM_001317186.2).
Identifiers: ClinVar variation 1561303 (VCV001561303.10), dbSNP rs1960744183, ClinGen allele CA496392440.